The following is an entry in ClinVar:

ClinVar aggregate classification (germline): Uncertain significance (0 of 4 stars; one submission).

Conditions:
SEMA3C-related disorder. Also called: SEMA3C-related condition.

Allele frequency attached by ClinVar (database versions not stated): ExAC 0.00001; TOPMed 0.00002; gnomAD 0.00003.
gnomAD v4.1: 59 of 1,614,012 alleles (0.0037%); highest among the groups gnomAD compares: Non-Finnish European, 0.0047%; no homozygotes.

Submission:

PreventionGenetics, part of Exact Sciences
Classification: Uncertain significance for SEMA3C-related condition. Last evaluated: 2024-03-05. Review status: no assertion criteria provided. Collection method: clinical testing. Allele origin: germline.
Comment: The SEMA3C c.2264A>G variant is predicted to result in the amino acid substitution p.Asn755Ser. To our knowledge, this variant has not been reported in the literature. This variant is reported in 0.0070% of alleles in individuals of European (Non-Finnish) descent in gnomAD. At this time, the clinical significance of this variant is uncertain due to the absence of conclusive functional and genetic evidence.

NM_006379.5(SEMA3C):c.2210A>G (p.Asn737Ser)

Gene: SEMA3C (semaphorin 3C; minus strand). Cytogenetic location: 7q21.11.
Variant type: single nucleotide variant.
Coding change: c.2210A>G on transcript NM_006379.5 (MANE Select); coding-DNA position 2210, A replaced by G.
Protein change: p.Asn737Ser; replaces asparagine 737 with serine.
Molecular consequence: missense variant.
Genome position (GRCh38, 1-based): chr7:80,744,940, T>C on the plus strand (A>G on the coding strand, the complement: SEMA3C is on the minus strand). VCF-style: chr7-80744940-T-C. GRCh37 (hg19) VCF-style: chr7-80374256-T-C.
Other names: c.2264A>G, p.Asn755Ser (NM_001350120.2); c.2036A>G, p.Asn679Ser (NM_001350121.2); short protein forms N679S, N737S, N755S.
Identifiers: ClinVar variation 3054046 (VCV003054046.2), dbSNP rs775440476, ClinGen allele CA4315894.